The following is an entry in ClinVar:

ClinVar aggregate classification (germline): Uncertain significance. Review status: criteria provided, multiple submitters, no conflicts (2 of 4 stars). 4 submissions from 4 submitters: Uncertain significance (4). Last evaluated 2025-08-19.

Conditions:
Familial thoracic aortic aneurysm and aortic dissection (TAAD). Also called: Thoracic aortic aneurysms and dissections. Identifiers: Orphanet 91387, MedGen C4707243, MONDO:0019625.
Hereditary cancer-predisposing syndrome. Also called: Neoplastic Syndromes, Hereditary; Tumor predisposition; Hereditary neoplastic syndrome; Hereditary Cancer Syndrome. Identifiers: Orphanet 140162, MedGen C0027672, MeSH D009386, MONDO:0015356.
Juvenile polyposis syndrome (JPS). Identifiers: Orphanet 2929, MedGen C0345893, MONDO:0017380, OMIM 174900.

Allele frequency attached by ClinVar (database versions not stated): gnomAD exomes below 0.00001 and 0.00001.
gnomAD v4.1: 4 of 1,614,122 alleles (0.00025%); highest among the groups gnomAD compares: Non-Finnish European, 0.00034%; no homozygotes.

Submissions (4):

Ambry Genetics
Classification: Uncertain significance for Hereditary cancer-predisposing syndrome; Familial thoracic aortic aneurysm and aortic dissection. Last evaluated: 2025-08-19. Review status: criteria provided, single submitter. Criteria: Ambry Variant Classification Scheme 2023. Collection method: clinical testing. Allele origin: germline.
Comment: The p.G252V variant (also known as c.755G>T), located in coding exon 5 of the SMAD4 gene, results from a G to T substitution at nucleotide position 755. The glycine at codon 252 is replaced by valine, an amino acid with dissimilar properties. This amino acid position is highly conserved in available vertebrate species. In addition, this alteration is predicted to be deleterious by in silico analysis. Based on the available evidence, the clinical significance of this variant remains unclear.

Labcorp Genetics (formerly Invitae), Labcorp
Classification: Uncertain significance for Juvenile polyposis syndrome. Last evaluated: 2024-11-04. Review status: criteria provided, single submitter. Criteria: Invitae Variant Classification Sherloc (09022015). Collection method: clinical testing. Allele origin: germline.
Comment: This sequence change replaces glycine, which is neutral and non-polar, with valine, which is neutral and non-polar, at codon 252 of the SMAD4 protein (p.Gly252Val). This variant is present in population databases (no rsID available, gnomAD 0.0009%). This variant has not been reported in the literature in individuals affected with SMAD4-related conditions. ClinVar contains an entry for this variant (Variation ID: 240153). Invitae Evidence Modeling of protein sequence and biophysical properties (such as structural, functional, and spatial information, amino acid conservation, physicochemical variation, residue mobility, and thermodynamic stability) has been performed for this missense variant. However, the output from this modeling did not meet the statistical confidence thresholds required to predict the impact of this variant on SMAD4 protein function. In summary, the available evidence is currently insufficient to determine the role of this variant in disease. Therefore, it has been classified as a Variant of Uncertain Significance.

Color Diagnostics, LLC DBA Color Health
Classification: Uncertain significance for Hereditary cancer-predisposing syndrome. Last evaluated: 2024-03-06. Review status: criteria provided, single submitter. Criteria: ACMG Guidelines, 2015. Collection method: clinical testing. Allele origin: germline.
Comment: This missense variant replaces glycine with valine at codon 252 of the SMAD4 protein. Computational prediction suggests that this variant may not impact protein structure and function (internally defined REVEL score threshold <= 0.5, PMID: 27666373). To our knowledge, functional studies have not been reported for this variant. This variant has not been reported in individuals affected with SMAD4-related disorders in the literature. This variant has been identified in 1/251456 chromosomes in the general population by the Genome Aggregation Database (gnomAD). The available evidence is insufficient to determine the role of this variant in disease conclusively. Therefore, this variant is classified as a Variant of Uncertain Significance.

Institute for Clinical Genetics, University Hospital TU Dresden, University Hospital TU Dresden
Classification: Uncertain significance. Last evaluated: 2021-11-03. Review status: criteria provided, single submitter. Criteria: ACMG Guidelines, 2015. Collection method: clinical testing. Allele origin: germline.

NM_005359.6(SMAD4):c.755G>T (p.Gly252Val)

Gene: SMAD4 (SMAD family member 4; plus strand). Cytogenetic location: 18q21.2.
Variant type: single nucleotide variant.
Coding change: c.755G>T on transcript NM_005359.6 (MANE Select); coding-DNA position 755, G replaced by T.
Protein change: p.Gly252Val; replaces glycine 252 with valine.
Molecular consequence: missense variant.
Genome position (GRCh38, 1-based): chr18:51,058,212, G>T. VCF-style: chr18-51058212-G-T. GRCh37 (hg19) VCF-style: chr18-48584582-G-T.
Other names: short protein forms G252V.
Identifiers: ClinVar variation 240153 (VCV000240153.20), dbSNP rs878854768, ClinGen allele CA10583703.